The following is an entry in ClinVar:

ClinVar aggregate classification (germline): Uncertain significance. Review status: criteria provided, multiple submitters, no conflicts (2 of 4 stars). 3 submissions from 3 submitters: Uncertain significance (3). Last evaluated 2025-02-02.

Conditions:
Colorectal cancer, susceptibility to, 1. Also called: COLORECTAL ADENOMA AND CANCER, SUSCEPTIBILITY TO; COLORECTAL CANCER, SUSCEPTIBILITY TO, ON CHROMOSOME 9. Identifiers: MedGen C1837315, MONDO:0012132, OMIM 608812.

Allele frequency attached by ClinVar (database versions not stated): gnomAD 0.00001; gnomAD exomes 0.00001 and 0.00002; TOPMed 0.00002.
gnomAD v4.1: 33 of 1,614,064 alleles (0.002%); highest among the groups gnomAD compares: Non-Finnish European, 0.0027%; no homozygotes.

Submissions (3):

Labcorp Genetics (formerly Invitae), Labcorp
Classification: Uncertain significance. Last evaluated: 2025-02-02. Review status: criteria provided, single submitter. Criteria: Invitae Variant Classification Sherloc (09022015). Collection method: clinical testing. Allele origin: germline.
Comment: This sequence change replaces valine, which is neutral and non-polar, with alanine, which is neutral and non-polar, at codon 253 of the GALNT12 protein (p.Val253Ala). This variant is present in population databases (no rsID available, gnomAD 0.002%). This variant has not been reported in the literature in individuals affected with GALNT12-related conditions. ClinVar contains an entry for this variant (Variation ID: 1025039). Invitae Evidence Modeling of protein sequence and biophysical properties (such as structural, functional, and spatial information, amino acid conservation, physicochemical variation, residue mobility, and thermodynamic stability) indicates that this missense variant is not expected to disrupt GALNT12 protein function with a negative predictive value of 80%. In summary, the available evidence is currently insufficient to determine the role of this variant in disease. Therefore, it has been classified as a Variant of Uncertain Significance.

Ambry Genetics
Classification: Uncertain significance. Last evaluated: 2024-02-22. Review status: criteria provided, single submitter. Criteria: Ambry Variant Classification Scheme 2023. Collection method: clinical testing. Allele origin: germline.
Comment: The p.V253A variant (also known as c.758T>C), located in coding exon 4 of the GALNT12 gene, results from a T to C substitution at nucleotide position 758. The valine at codon 253 is replaced by alanine, an amino acid with similar properties. This amino acid position is highly conserved in available vertebrate species. In addition, the in silico prediction for this alteration is inconclusive. The evidence for this gene-disease relationship is limited; therefore, the clinical significance of this alteration is unclear.

Fulgent Genetics
Classification: Uncertain significance for Colorectal cancer, susceptibility to, 1. Last evaluated: 2021-08-12. Review status: criteria provided, single submitter. Criteria: ACMG Guidelines, 2015. Collection method: clinical testing. Allele origin: unknown.

NM_024642.5(GALNT12):c.758T>C (p.Val253Ala)

Gene: GALNT12 (polypeptide N-acetylgalactosaminyltransferase 12; plus strand). Cytogenetic location: 9q22.33.
Variant type: single nucleotide variant.
Coding change: c.758T>C on transcript NM_024642.5 (MANE Select); coding-DNA position 758, T replaced by C.
Protein change: p.Val253Ala; replaces valine 253 with alanine.
Molecular consequence: missense variant.
Genome position (GRCh38, 1-based): chr9:98,831,798, T>C. VCF-style: chr9-98831798-T-C. GRCh37 (hg19) VCF-style: chr9-101594080-T-C.
Other names: short protein forms V253A.
Identifiers: ClinVar variation 1025039 (VCV001025039.12), dbSNP rs1316883841, ClinGen allele CA374217945.
Genomic context (GRCh38, chr9:98,831,798, plus strand): 5'-AGGAGAGACGGATGGATGTCTTGGGTGCTTTCAGGATCCATGAAGAGGAGTCGGCAGTGG[T>C]GTGCCCGGTGATTGATGTGATCGACTGGAACACCTTCGAATACCTGGGGAACTCCGGGGA-3'
Protein context (NP_078918.3, residues 243-263): QRIHEEESAV[Val253Ala]CPVIDVIDWN